The following is an entry in ClinVar:

NM_198576.4(AGRN):c.3073C>T (p.Arg1025Trp)

Gene: AGRN (agrin; plus strand). Cytogenetic location: 1p36.33.
Variant type: single nucleotide variant.
Coding change: c.3073C>T on transcript NM_198576.4 (MANE Select); coding-DNA position 3073, C replaced by T.
Protein change: p.Arg1025Trp; replaces arginine 1025 with tryptophan.
Molecular consequence: missense variant.
Genome position (GRCh38, 1-based): chr1:1,046,558, C>T. VCF-style: chr1-1046558-C-T. GRCh37 (hg19) VCF-style: chr1-981938-C-T.
Other names: c.3073C>T, p.Arg1025Trp (NM_001305275.2); c.2758C>T, p.Arg920Trp (NM_001364727.2); short protein forms R1025W, R920W.
Identifiers: ClinVar variation 2050331 (VCV002050331.4), dbSNP rs749154999, ClinGen allele CA508942.

ClinVar aggregate classification (germline): Uncertain significance (1 of 4 stars; one submission).

Conditions:
Congenital myasthenic syndrome 8. Also called: Myasthenic syndrome, congenital, 8, with pre- and postsynaptic defects; MYASTHENIC SYNDROME, CONGENITAL, DUE TO AGRIN DEFICIENCY. Identifiers: Orphanet 590, MedGen C3808739, MONDO:0014052, OMIM 615120.

Allele frequency attached by ClinVar (database versions not stated): ExAC 0.00001; gnomAD 0.00001; gnomAD exomes 0.00001.
gnomAD v4.1: 17 of 1,609,464 alleles (0.0011%); highest among the groups gnomAD compares: African/African-American, 0.0027%; no homozygotes.

Submission:

Labcorp Genetics (formerly Invitae), Labcorp
Classification: Uncertain significance for Congenital myasthenic syndrome 8. Last evaluated: 2025-05-19. Review status: criteria provided, single submitter. Criteria: Invitae Variant Classification Sherloc (09022015). Collection method: clinical testing. Allele origin: germline.
Comment: This sequence change replaces arginine, which is basic and polar, with tryptophan, which is neutral and slightly polar, at codon 1025 of the AGRN protein (p.Arg1025Trp). The frequency data for this variant in the population databases is considered unreliable, as metrics indicate poor data quality at this position in the gnomAD database. This variant has not been reported in the literature in individuals affected with AGRN-related conditions. ClinVar contains an entry for this variant (Variation ID: 2050331). An algorithm developed to predict the effect of missense changes on protein structure and function outputs the following: PolyPhen-2: "Benign". The tryptophan amino acid residue is found in multiple mammalian species, which suggests that this missense change does not adversely affect protein function. In summary, the available evidence is currently insufficient to determine the role of this variant in disease. Therefore, it has been classified as a Variant of Uncertain Significance.